The following is an entry in ClinVar:

NM_001845.6(COL4A1):c.2440G>A (p.Gly814Arg)

Gene: COL4A1 (collagen type IV alpha 1 chain; minus strand). Cytogenetic location: 13q34.
Variant type: single nucleotide variant.
Coding change: c.2440G>A on transcript NM_001845.6 (MANE Select); coding-DNA position 2440, G replaced by A.
Protein change: p.Gly814Arg; replaces glycine 814 with arginine.
Molecular consequence: missense variant.
Genome position (GRCh38, 1-based): chr13:110,178,941, C>T on the plus strand (G>A on the coding strand, the complement: COL4A1 is on the minus strand). VCF-style: chr13-110178941-C-T. GRCh37 (hg19) VCF-style: chr13-110831288-C-T.
Other names: short protein forms G814R.
Identifiers: ClinVar variation 872945 (VCV000872945.3), dbSNP rs1878014262, ClinGen allele CA388668292.

ClinVar aggregate classification (germline): Pathogenic. Review status: criteria provided, single submitter (1 of 4 stars). 2 submissions from 2 submitters: Pathogenic (1). 1 of the submissions does not count toward it. Last evaluated 2024-09-18.

Conditions:
Vascular dementia. Identifiers: MedGen C0011269, MeSH D015140, MONDO:0004648.
Intellectual disability. Also called: Intellectual developmental disorder; Intellectual functioning disability; intellectual disabilities. Identifiers: MedGen C3714756, MeSH D008607, MONDO:0001071, HP:0001249.

Submissions (2):

North West Genomic Laboratory Hub, Manchester University NHS Foundation Trust
Classification: Pathogenic for Intellectual disability. Last evaluated: 2024-09-18. Review status: criteria provided, single submitter. Criteria: ACGS Best Practice Guidelines for Variant Classification in Rare Disease 2020. Collection method: clinical testing. Allele origin: germline. Affected: yes.
Comment: PM1_Str PS4_Supp PP2_Supp PM5_Supp PM2_Mod PP3_Supp

Myllykangas group, University of Helsinki
Classification: Uncertain significance for Vascular dementia. Last evaluated: 2020-04-01. Review status: no assertion criteria provided. Collection method: research. Allele origin: germline. Affected: yes. Not counted in ClinVar's aggregate classification.

Literature cited by the submitters: PubMed 33268848 (cited by Myllykangas group, University of Helsinki).